The following is an entry in ClinVar:

ClinVar aggregate classification (germline): Pathogenic (1 of 4 stars; one submission).

Conditions:
VPS13A-related neurodegenerative disease. Also called: ACANTHOCYTOSIS WITH NEUROLOGIC DISORDER; LEVINE-CRITCHLEY SYNDROME; Choreoacanthocytosis; Chorea-acanthocytosis; Choreaacanthocytosis; VPS13A Disease. Identifiers: Orphanet 2388, MedGen C0393576, MONDO:0008695, OMIM 200150.

Submission:

Myriad Genetics, Inc.
Classification: Pathogenic for VPS13A-related neurodegenerative disease. Last evaluated: 2023-09-27. Review status: criteria provided, single submitter. Criteria: Myriad Autosomal Dominant, Autosomal Recessive and X-Linked Classification Criteria (2023). Collection method: clinical testing. Allele origin: unknown.
Comment: NM_033305.2(VPS13A):c.7329dupA(A2444Sfs*8) is expected to be pathogenic in the context of VPS13A disease. This variant is predicted to lead to an abnormal or absent protein product due to the creation of a premature termination codon in VPS13A, a gene where loss-of-function variants are known to be pathogenic. Please note: this variant was assessed in the context of healthy population screening.

NM_033305.3(VPS13A):c.7329dup (p.Ala2444fs)

Gene: VPS13A (vacuolar protein sorting 13 homolog A; plus strand). Cytogenetic location: 9q21.2.
Variant type: Duplication.
Coding change: c.7329dup on transcript NM_033305.3 (MANE Select); coding-DNA position 7329, one base duplicated (A; older notation c.7329dupA).
Protein change: p.Ala2444fs; shifts the reading frame from alanine 2444.
Molecular consequence: frameshift variant.
Genome position (GRCh38, 1-based): chr9:77,351,356, A duplicated; the last of 3 consecutive A bases (chr9:77,351,354-77,351,356); duplicating any one gives the same sequence. VCF-style (leftmost placement, unchanged base first): chr9-77351353-T-TA. GRCh37 (hg19) VCF-style: chr9-79966269-T-TA.
Other names: c.7212dup, p.Ala2405fs (NM_001018037.2); c.7329dup, p.Ala2444fs (NM_001018038.3, NM_015186.4); short protein forms A2405fs, A2444fs.
Identifiers: ClinVar variation 5012260 (VCV005012260.1).